The following is an entry in ClinVar:

NM_018451.5(CPAP):c.2031C>T (p.Ala677=)

Gene: CPAP (centrosome assembly and centriole elongation protein; minus strand). Cytogenetic location: 13q12.13.
Variant type: single nucleotide variant.
Coding change: c.2031C>T on transcript NM_018451.5 (MANE Select); coding-DNA position 2031, C replaced by T.
Protein change: p.Ala677=; no amino-acid change (alanine 677 retained).
Molecular consequence: synonymous variant. On other transcripts: non-coding transcript variant (2).
Genome position (GRCh38, 1-based): chr13:24,906,007, G>A on the plus strand (C>T on the coding strand, the complement: CPAP is on the minus strand). VCF-style: chr13-24906007-G-A. GRCh37 (hg19) VCF-style: chr13-25480145-G-A.
Identifiers: ClinVar variation 158199 (VCV000158199.24), dbSNP rs61729909, ClinGen allele CA171682.
Genomic context (GRCh38, chr13:24,906,007, plus strand): 5'-AACACCTTCATCGTCACGTGCATTCCATTCAGTCTGATTTTCAGAAGTGCTCTTTTGGAC[G>A]GCTTTCCTGATTTTACAAGGCTGTTCCCTCAATTCATCAGCTGAGGACAATGAATGAAGT-3'
Protein context (NP_060921.3, residues 667-687): LREQPCKIRK[Ala677=]VQKSTSENQT

ClinVar aggregate classification (germline): Benign. Review status: criteria provided, multiple submitters, no conflicts (2 of 4 stars). 10 submissions from 9 submitters: Benign (8). 2 of the submissions do not count toward it. Last evaluated 2026-02-01.

Conditions:
Seckel syndrome 4 (SCKL4). Identifiers: Orphanet 808, MedGen C3888212, MONDO:0013358, OMIM 613676.
Microcephaly 6, primary, autosomal recessive. Identifiers: Orphanet 2512, MedGen C1842109, MONDO:0012029, OMIM 608393.

Allele frequency attached by ClinVar (database versions not stated): gnomAD exomes 0.00578 and 0.01471; ExAC 0.01449; ESP Exome Variant Server 0.01592; gnomAD 0.01628 and 0.01652; TOPMed 0.01997; 1000 Genomes Project 0.03215; 1000 Genomes Project 30x 0.03248.
gnomAD v4.1: 11,126 of 1,614,032 alleles (0.69%); highest among the groups gnomAD compares: East Asian, 10%; 336 homozygotes.

Submissions (10):

Labcorp Genetics (formerly Invitae), Labcorp
Classification: Benign. Last evaluated: 2026-02-01. Review status: criteria provided, single submitter. Criteria: Invitae Variant Classification Sherloc (09022015). Collection method: clinical testing. Allele origin: germline.

Athena Diagnostics
Classification: Benign. Last evaluated: 2024-09-27. Review status: criteria provided, single submitter. Criteria: Athena Diagnostics Criteria. Collection method: clinical testing. Allele origin: unknown.

Illumina Laboratory Services, Illumina
Classification: Benign for Microcephaly 6, primary, autosomal recessive. Last evaluated: 2018-01-13. Review status: criteria provided, single submitter. Criteria: ICSL Variant Classification Criteria 13 December 2019. Collection method: clinical testing. Allele origin: germline.
Comment: This variant was observed in the ICSL laboratory as part of a predisposition screen in an ostensibly healthy population. It had not been previously curated by ICSL or reported in the Human Gene Mutation Database (HGMD: prior to June 1st, 2018), and was therefore a candidate for classification through an automated scoring system. Utilizing variant allele frequency, disease prevalence and penetrance estimates, and inheritance mode, an automated score was calculated to assess if this variant is too frequent to cause the disease. Based on the score and internal cut-off values, a variant classified as benign is not then subjected to further curation. The score for this variant resulted in a classification of benign for this disease.

Illumina Laboratory Services, Illumina
Classification: Benign for Seckel syndrome 4. Last evaluated: 2018-01-13. Review status: criteria provided, single submitter. Criteria: ICSL Variant Classification Criteria 13 December 2019. Collection method: clinical testing. Allele origin: germline.
Comment: the same text as in the submission from Illumina Laboratory Services, Illumina above.

GeneDx
Classification: Benign. Last evaluated: 2015-03-03. Review status: criteria provided, single submitter. Criteria: GeneDx Variant Classification Process June 2021. Collection method: clinical testing. Allele origin: germline. Affected: yes.

Genetic Services Laboratory, University of Chicago
Classification: Benign. Last evaluated: 2013-02-08. Review status: criteria provided, single submitter. Criteria: ACMG Guidelines, 2007. Collection method: clinical testing. Allele origin: germline. Inheritance: Autosomal recessive inheritance.

Breakthrough Genomics
Classification: Benign. Review status: criteria provided, single submitter. Criteria: ACMG Guidelines, 2015. Collection method: not provided. Allele origin: germline. Inheritance: Autosomal recessive inheritance. Affected: yes.

PreventionGenetics, part of Exact Sciences
Classification: Benign. Review status: criteria provided, single submitter. Criteria: ACMG Guidelines, 2015. Collection method: clinical testing. Allele origin: germline.

Clinical Genetics DNA and cytogenetics Diagnostics Lab, Erasmus MC, Erasmus Medical Center
Classification: Benign. Review status: no assertion criteria provided. Collection method: clinical testing. Allele origin: germline. Affected: yes. Study: VKGL Data-share Consensus. Not counted in ClinVar's aggregate classification.

Joint Genome Diagnostic Labs from Nijmegen and Maastricht, Radboudumc and MUMC+
Classification: Benign. Review status: no assertion criteria provided. Collection method: clinical testing. Allele origin: germline. Affected: yes. Study: VKGL Data-share Consensus. Not counted in ClinVar's aggregate classification.